The following is an entry in ClinVar:

ClinVar aggregate classification (germline): Benign/Likely benign. Review status: criteria provided, multiple submitters, no conflicts (2 of 4 stars). 3 submissions from 3 submitters: Benign (2); Likely benign (1). Last evaluated 2026-01-12.

Conditions:
RFT1-congenital disorder of glycosylation (CDG1N). Also called: Congenital disorder of glycosylation type In; CDG In; RFT1-CDG. Identifiers: Orphanet 244310, MedGen C2677590, MONDO:0012783, OMIM 612015.

Allele frequency attached by ClinVar (database versions not stated): gnomAD 0.00009 and 0.00081; TOPMed 0.00022; ESP Exome Variant Server 0.00023; gnomAD exomes 0.00163 and 0.00313; ExAC 0.00388; 1000 Genomes Project 30x 0.00453; 1000 Genomes Project 0.00479.
gnomAD v4.1: 2,483 of 1,613,898 alleles (0.15%); highest among the groups gnomAD compares: South Asian, 2.4%; 47 homozygotes.

Submissions (3):

Labcorp Genetics (formerly Invitae), Labcorp
Classification: Benign for RFT1-congenital disorder of glycosylation. Last evaluated: 2026-01-12. Review status: criteria provided, single submitter. Criteria: Invitae Variant Classification Sherloc (09022015). Collection method: clinical testing. Allele origin: germline.

Illumina Laboratory Services, Illumina
Classification: Likely benign for RFT1-congenital disorder of glycosylation. Last evaluated: 2018-01-13. Review status: criteria provided, single submitter. Criteria: ICSL Variant Classification Criteria 13 December 2019. Collection method: clinical testing. Allele origin: germline.
Comment: This variant was observed in the ICSL laboratory as part of a predisposition screen in an ostensibly healthy population. It had not been previously curated by ICSL or reported in the Human Gene Mutation Database (HGMD: prior to June 1st, 2018), and was therefore a candidate for classification through an automated scoring system. Utilizing variant allele frequency, disease prevalence and penetrance estimates, and inheritance mode, an automated score was calculated to assess if this variant is too frequent to cause the disease. Based on the score and internal cut-off values, a variant classified as likely benign is not then subjected to further curation. The score for this variant resulted in a classification of likely benign for this disease.

GeneDx
Classification: Benign. Last evaluated: 2016-10-03. Review status: criteria provided, single submitter. Criteria: GeneDx Variant Classification (06012015). Collection method: clinical testing. Allele origin: germline. Affected: yes.
Comment: This variant is considered likely benign or benign based on one or more of the following criteria: it is a conservative change, it occurs at a poorly conserved position in the protein, it is predicted to be benign by multiple in silico algorithms, and/or has population frequency not consistent with disease.

NM_052859.4(RFT1):c.924G>A (p.Leu308=)

Gene: RFT1 (RFT1 glycolipid translocator homolog; minus strand). Cytogenetic location: 3p21.1.
Variant type: single nucleotide variant.
Coding change: c.924G>A on transcript NM_052859.4 (MANE Select); coding-DNA position 924, G replaced by A.
Protein change: p.Leu308=; no amino-acid change (leucine 308 retained).
Molecular consequence: synonymous variant.
Genome position (GRCh38, 1-based): chr3:53,105,706, C>T on the plus strand (G>A on the coding strand, the complement: RFT1 is on the minus strand). VCF-style: chr3-53105706-C-T. GRCh37 (hg19) VCF-style: chr3-53139722-C-T.
Identifiers: ClinVar variation 346188 (VCV000346188.16), dbSNP rs140603849, ClinGen allele CA2451289.